The following is an entry in ClinVar:

NM_006015.6(ARID1A):c.1775A>G (p.Tyr592Cys)

Gene: ARID1A (AT-rich interaction domain 1A; plus strand). Cytogenetic location: 1p36.11.
Variant type: single nucleotide variant.
Coding change: c.1775A>G on transcript NM_006015.6 (MANE Select); coding-DNA position 1775, A replaced by G.
Protein change: p.Tyr592Cys; replaces tyrosine 592 with cysteine.
Molecular consequence: missense variant.
Genome position (GRCh38, 1-based): chr1:26,731,576, A>G. VCF-style: chr1-26731576-A-G. GRCh37 (hg19) VCF-style: chr1-27058067-A-G.
Other names: c.1775A>G, p.Tyr592Cys (NM_139135.4); short protein forms Y592C.
Identifiers: ClinVar variation 4700267 (VCV004700267.1).

ClinVar aggregate classification (germline): Uncertain significance (1 of 4 stars; one submission).

Submission:

Labcorp Genetics (formerly Invitae), Labcorp
Classification: Uncertain significance. Last evaluated: 2025-05-19. Review status: criteria provided, single submitter. Criteria: Invitae Variant Classification Sherloc (09022015). Collection method: clinical testing. Allele origin: germline.
Comment: This sequence change replaces tyrosine, which is neutral and polar, with cysteine, which is neutral and slightly polar, at codon 592 of the ARID1A protein (p.Tyr592Cys). This variant is present in population databases (rs569516664, gnomAD 0.003%). This variant has not been reported in the literature in individuals affected with ARID1A-related conditions. Invitae Evidence Modeling of protein sequence and biophysical properties (such as structural, functional, and spatial information, amino acid conservation, physicochemical variation, residue mobility, and thermodynamic stability) indicates that this missense variant is not expected to disrupt ARID1A protein function with a negative predictive value of 80%. In summary, the available evidence is currently insufficient to determine the role of this variant in disease. Therefore, it has been classified as a Variant of Uncertain Significance.